The following is an entry in ClinVar:

NM_007294.4(BRCA1):c.3289A>T (p.Ser1097Cys)

Genes: BRCA1 (BRCA1 DNA repair associated; minus strand), LOC126862571 (BRD4-independent group 4 enhancer GRCh37_chr17:41243136-41244335; plus strand). Cytogenetic location: 17q21.31.
Variant type: single nucleotide variant.
Coding change: c.3289A>T on transcript NM_007294.4 (MANE Select); coding-DNA position 3289, A replaced by T.
Protein change: p.Ser1097Cys; replaces serine 1097 with cysteine.
Molecular consequence: missense variant. On other transcripts: intron variant (137).
Genome position (GRCh38, 1-based): chr17:43,092,242, T>A on the plus strand (A>T on the coding strand, the complement: BRCA1 is on the minus strand). VCF-style: chr17-43092242-T-A. GRCh37 (hg19) VCF-style: chr17-41244259-T-A.
Other names: c.3289A>T, p.Ser1097Cys (NM_001407605.1, NM_001407616.1, NM_001407617.1 and 30 more transcripts); c.3286A>T, p.Ser1096Cys (NM_001407610.1, NM_001407611.1, NM_001407612.1 and 22 more transcripts); c.3280A>T, p.Ser1094Cys (NM_001407646.1, NM_001407647.1); c.3166A>T, p.Ser1056Cys (NM_001407648.1, NM_001407664.1, NM_001407665.1 and 19 more transcripts); c.3163A>T, p.Ser1055Cys (NM_001407649.1, NM_001407670.1, NM_001407671.1 and 11 more transcripts); c.3211A>T, p.Ser1071Cys (NM_001407653.1, NM_001407654.1, NM_001407655.1 and 4 more transcripts); c.3208A>T, p.Ser1070Cys (NM_001407659.1, NM_001407660.1, NM_001407661.1 and 1 more transcripts); c.3148A>T, p.Ser1050Cys (NM_001407692.1, NM_001407694.1, NM_001407695.1 and 29 more transcripts); and 41 more; short protein forms S1097C, S1050C, S1027C, S1029C, S1071C, S801C, S985C, S1026C.
Identifiers: ClinVar variation 142978 (VCV000142978.28), dbSNP rs587782864, ClinGen allele CA002122.

ClinVar aggregate classification (germline): Conflicting classifications of pathogenicity. Review status: criteria provided, conflicting classifications (1 of 4 stars). 3 submissions from 3 submitters: Uncertain significance (2); Likely benign (1). Last evaluated 2023-05-04.

Conditions:
Hereditary cancer-predisposing syndrome. Also called: Hereditary Cancer Syndrome; Neoplastic Syndromes, Hereditary; Hereditary neoplastic syndrome; Tumor predisposition. Identifiers: Orphanet 140162, MedGen C0027672, MeSH D009386, MONDO:0015356.
Hereditary breast ovarian cancer syndrome. Also called: BRCA1- and BRCA2-Associated Hereditary Breast and Ovarian Cancer; Hereditary breast and ovarian cancer syndrome; Hereditary breast and/or ovarian cancer syndrome; Breast and ovarian cancer; Hereditary breast and ovarian cancer; Hereditary breast and ovarian cancer syndrome (HBOC). Identifiers: Orphanet 145, MedGen C0677776, MeSH D061325, MONDO:0003582. Disease mechanism: loss of function.

Allele frequency attached by ClinVar (database versions not stated): TOPMed below 0.00001.

Submissions (3):

Labcorp Genetics (formerly Invitae), Labcorp
Classification: Uncertain significance for Hereditary breast ovarian cancer syndrome. Last evaluated: 2023-05-04. Review status: criteria provided, single submitter. Criteria: Invitae Variant Classification Sherloc (09022015). Collection method: clinical testing. Allele origin: germline.
Comment: ClinVar contains an entry for this variant (Variation ID: 142978). This variant has not been reported in the literature in individuals affected with BRCA1-related conditions. This variant is not present in population databases (gnomAD no frequency). This sequence change replaces serine, which is neutral and polar, with cysteine, which is neutral and slightly polar, at codon 1097 of the BRCA1 protein (p.Ser1097Cys). Advanced modeling of protein sequence and biophysical properties (such as structural, functional, and spatial information, amino acid conservation, physicochemical variation, residue mobility, and thermodynamic stability) performed at Invitae indicates that this missense variant is not expected to disrupt BRCA1 protein function. In summary, the available evidence is currently insufficient to determine the role of this variant in disease. Therefore, it has been classified as a Variant of Uncertain Significance.

Ambry Genetics
Classification: Uncertain significance for Hereditary cancer-predisposing syndrome. Last evaluated: 2023-04-01. Review status: criteria provided, single submitter. Criteria: Ambry Variant Classification Scheme 2023. Collection method: clinical testing. Allele origin: germline.
Comment: The p.S1097C variant (also known as c.3289A>T), located in coding exon 9 of the BRCA1 gene, results from an A to T substitution at nucleotide position 3289. The serine at codon 1097 is replaced by cysteine, an amino acid with dissimilar properties. This amino acid position is not well conserved in available vertebrate species. In addition, the in silico prediction for this alteration is inconclusive. Since supporting evidence is limited at this time, the clinical significance of this alteration remains unclear.

University of Washington Department of Laboratory Medicine, University of Washington
Classification: Likely benign for Hereditary cancer-predisposing syndrome. Last evaluated: 2023-03-23. Review status: criteria provided, single submitter. Criteria: Dines et al. (Genet Med. 2020). Collection method: curation. Allele origin: germline.
Comment: Missense variant in a coldspot region where missense variants are very unlikely to be pathogenic (PMID:31911673).

BRCA1 coldspot (exon 11 using historical exon numbering). Reclassification based on statistical prior probability